The following is an entry in ClinVar:

NM_014402.5(UQCRQ):c.*644C>T

Gene: UQCRQ (ubiquinol-cytochrome c reductase complex III subunit VII; plus strand). Cytogenetic location: 5q31.1.
Variant type: single nucleotide variant.
Coding change: c.*644C>T on transcript NM_014402.5 (MANE Select); 644 bases downstream of the stop codon, C replaced by T.
Molecular consequence: 3 prime UTR variant.
Genome position (GRCh38, 1-based): chr5:132,868,226, C>T. VCF-style: chr5-132868226-C-T. GRCh37 (hg19) VCF-style: chr5-132203918-C-T.
Identifiers: ClinVar variation 350849 (VCV000350849.5), dbSNP rs144996711, ClinGen allele CA10619014.

ClinVar aggregate classification (germline): Likely benign (1 of 4 stars; one submission).

Conditions:
Mitochondrial complex III deficiency nuclear type 4. Identifiers: MedGen C3554607, MONDO:0014065, OMIM 615159.

Allele frequency attached by ClinVar (database versions not stated): gnomAD 0.02125 and 0.02322; TOPMed 0.02553; 1000 Genomes Project 0.02576; 1000 Genomes Project 30x 0.02780.
gnomAD v4.1: 3,495 of 152,274 alleles (2.3%); highest among the groups gnomAD compares: African/African-American, 8.1%; 141 homozygotes.

Submission:

Illumina Laboratory Services, Illumina
Classification: Likely benign for Mitochondrial complex III deficiency nuclear type 4. Last evaluated: 2018-01-13. Review status: criteria provided, single submitter. Criteria: ICSL Variant Classification Criteria 13 December 2019. Collection method: clinical testing. Allele origin: germline.
Comment: This variant was observed in the ICSL laboratory as part of a predisposition screen in an ostensibly healthy population. It had not been previously curated by ICSL or reported in the Human Gene Mutation Database (HGMD: prior to June 1st, 2018), and was therefore a candidate for classification through an automated scoring system. Utilizing variant allele frequency, disease prevalence and penetrance estimates, and inheritance mode, an automated score was calculated to assess if this variant is too frequent to cause the disease. Based on the score and internal cut-off values, a variant classified as likely benign is not then subjected to further curation. The score for this variant resulted in a classification of likely benign for this disease.